The following is an entry in ClinVar:

ClinVar aggregate classification (germline): Uncertain significance (1 of 4 stars; one submission).

Conditions:
Evans syndrome, immunodeficiency, and premature immunosenescence associated with tripeptidyl-peptidase II deficiency. Identifiers: MedGen CN231723. Disease mechanism: loss of function.

Submission:

Labcorp Genetics (formerly Invitae), Labcorp
Classification: Uncertain significance for Evans syndrome, immunodeficiency, and premature immunosenescence associated with tripeptidyl-peptidase II deficiency. Last evaluated: 2021-10-09. Review status: criteria provided, single submitter. Criteria: Invitae Variant Classification Sherloc (09022015). Collection method: clinical testing. Allele origin: germline.
Comment: In summary, the available evidence is currently insufficient to determine the role of this variant in disease. Therefore, it has been classified as a Variant of Uncertain Significance. Algorithms developed to predict the effect of missense changes on protein structure and function are either unavailable or do not agree on the potential impact of this missense change (SIFT: "Tolerated"; PolyPhen-2: "Possibly Damaging"; Align-GVGD: "Class C0"). This variant has not been reported in the literature in individuals affected with TPP2-related conditions. This variant is not present in population databases (ExAC no frequency). This sequence change replaces cysteine with phenylalanine at codon 787 of the TPP2 protein (p.Cys787Phe). The cysteine residue is moderately conserved and there is a large physicochemical difference between cysteine and phenylalanine.

NM_001330588.2(TPP2):c.2360G>T (p.Cys787Phe)

Gene: TPP2 (tripeptidyl peptidase 2; plus strand). Cytogenetic location: 13q33.1.
Variant type: single nucleotide variant.
Coding change: c.2360G>T on transcript NM_001330588.2 (MANE Select); coding-DNA position 2360, G replaced by T.
Protein change: p.Cys787Phe; replaces cysteine 787 with phenylalanine.
Molecular consequence: missense variant. On other transcripts: non-coding transcript variant (1).
Genome position (GRCh38, 1-based): chr13:102,644,976, G>T. VCF-style: chr13-102644976-G-T. GRCh37 (hg19) VCF-style: chr13-103297326-G-T.
Other names: c.2360G>T, p.Cys787Phe (NM_001367947.1, NM_003291.4); short protein forms C787F.
Identifiers: ClinVar variation 1500291 (VCV001500291.4), dbSNP rs2139533372, ClinGen allele CA388497346.
Genomic context (GRCh38, chr13:102,644,976, plus strand): 5'-CGGAAGGAATCAACCGCTTTGATGTTCAGTCCTCCTTGAAATACGAAGATCTGGCTCCCT[G>T]CATAACTTTGAAGAACTGGGTCCAAACACTGCGGTATCATTCAATGTTTTAGGAACTACA-3'
Protein context (NP_001317517.1, residues 777-797): SSLKYEDLAP[Cys787Phe]ITLKNWVQTL